The following is an entry in ClinVar:

ClinVar aggregate classification (germline): Uncertain significance (1 of 4 stars; one submission).

Allele frequency attached by ClinVar (database versions not stated): TOPMed 0.00001; gnomAD 0.00003.
gnomAD v4.1: 9 of 1,610,934 alleles (0.00056%); highest among the groups gnomAD compares: African/African-American, 0.0067%; no homozygotes.

Submission:

Labcorp Genetics (formerly Invitae), Labcorp
Classification: Uncertain significance. Last evaluated: 2022-07-30. Review status: criteria provided, single submitter. Criteria: Invitae Variant Classification Sherloc (09022015). Collection method: clinical testing. Allele origin: germline.
Comment: This sequence change replaces arginine, which is basic and polar, with glycine, which is neutral and non-polar, at codon 817 of the RTTN protein (p.Arg817Gly). This variant is present in population databases (no rsID available, gnomAD 0.01%). This variant has not been reported in the literature in individuals affected with RTTN-related conditions. Algorithms developed to predict the effect of missense changes on protein structure and function are either unavailable or do not agree on the potential impact of this missense change (SIFT: "Deleterious"; PolyPhen-2: "Benign"; Align-GVGD: "Class C0"). In summary, the available evidence is currently insufficient to determine the role of this variant in disease. Therefore, it has been classified as a Variant of Uncertain Significance.

NM_173630.4(RTTN):c.2449A>G (p.Arg817Gly)

Gene: RTTN (rotatin; minus strand). Cytogenetic location: 18q22.2.
Variant type: single nucleotide variant.
Coding change: c.2449A>G on transcript NM_173630.4 (MANE Select); coding-DNA position 2449, A replaced by G.
Protein change: p.Arg817Gly; replaces arginine 817 with glycine.
Molecular consequence: missense variant. On other transcripts: 5 prime UTR variant (1).
Genome position (GRCh38, 1-based): chr18:70,145,644, T>C on the plus strand (A>G on the coding strand, the complement: RTTN is on the minus strand). VCF-style: chr18-70145644-T-C. GRCh37 (hg19) VCF-style: chr18-67812880-T-C.
Other names: c.-199A>G (NM_001318520.2); short protein forms R817G.
Identifiers: ClinVar variation 1927302 (VCV001927302.2), dbSNP rs961711641, ClinGen allele CA301923192.
Genomic context (GRCh38, chr18:70,145,644, plus strand): 5'-CAGTAATAAACTCAAAATTTATAGTCACCTTAATAACCAGCTCTCTTCTGTCATCCAGTC[T>C]GAGTTCAATAGGTTTCTTCCCAATGAATAAATCAGTAACTCTGGAGAGAACTCTGGCGTC-3'
Protein context (NP_775901.3, residues 807-827): LFIGKKPIEL[Arg817Gly]LDDRRELVIK